The following is an entry in ClinVar:

NM_014244.5(ADAMTS2):c.896A>G (p.Asn299Ser)

Gene: ADAMTS2 (ADAM metallopeptidase with thrombospondin type 1 motif 2; minus strand). Cytogenetic location: 5q35.3.
Variant type: single nucleotide variant.
Coding change: c.896A>G on transcript NM_014244.5 (MANE Select); coding-DNA position 896, A replaced by G.
Protein change: p.Asn299Ser; replaces asparagine 299 with serine.
Molecular consequence: missense variant.
Genome position (GRCh38, 1-based): chr5:179,181,151, T>C on the plus strand (A>G on the coding strand, the complement: ADAMTS2 is on the minus strand). VCF-style: chr5-179181151-T-C. GRCh37 (hg19) VCF-style: chr5-178608152-T-C.
Other names: c.896A>G, p.Asn299Ser (NM_021599.4); c.896A>G (NM_014244.4); short protein forms N299S.
Identifiers: ClinVar variation 1975440 (VCV001975440.4), dbSNP rs1476075057, ClinGen allele CA362418494.
Genomic context (GRCh38, chr5:179,181,151, plus strand): 5'-ATGATCCGCACCAGGACCACGTTGATGTGGGCACCCAAGGACTCGTCATGGTAGATTTCA[T>C]TGACCTGAAAGAAACAGGGAGGCATCAGCGGGAACCACAGGCCCTAGGACTGGCTCTGGC-3'
Protein context (NP_055059.2, residues 289-309): KYLLTLMNIV[Asn299Ser]EIYHDESLGA

ClinVar aggregate classification (germline): Uncertain significance. Review status: criteria provided, multiple submitters, no conflicts (2 of 4 stars). 2 submissions from 2 submitters: Uncertain significance (2). Last evaluated 2026-05-08.

Conditions:
Ehlers-Danlos syndrome, dermatosparaxis type. Also called: Dermatosparaxis; EDS VIIC; Ehlers-Danlos syndrome, type VII, autosomal recessive. Identifiers: Orphanet 1901, MedGen C2700425, MONDO:0009161, OMIM 225410.

Allele frequency attached by ClinVar (database versions not stated): gnomAD exomes below 0.00001; gnomAD 0.00001; TOPMed 0.00002.
gnomAD v4.1: 8 of 1,613,358 alleles (0.0005%); highest among the groups gnomAD compares: Admixed American, 0.0083%; no homozygotes.

Submissions (2):

GeneDx
Classification: Uncertain significance. Last evaluated: 2026-05-08. Review status: criteria provided, single submitter. Criteria: GeneDx Variant Classification Process June 2021. Collection method: clinical testing. Allele origin: germline.
Comment: Not observed at significant frequency in large population cohorts (gnomAD); In silico analysis supports that this missense variant has a deleterious effect on protein structure/function; Has not been previously published as pathogenic or benign to our knowledge

Labcorp Genetics (formerly Invitae), Labcorp
Classification: Uncertain significance for Ehlers-Danlos syndrome, dermatosparaxis type. Last evaluated: 2022-11-01. Review status: criteria provided, single submitter. Criteria: Invitae Variant Classification Sherloc (09022015). Collection method: clinical testing. Allele origin: germline.
Comment: This sequence change replaces asparagine, which is neutral and polar, with serine, which is neutral and polar, at codon 299 of the ADAMTS2 protein (p.Asn299Ser). This variant is present in population databases (no rsID available, gnomAD 0.003%). This variant has not been reported in the literature in individuals affected with ADAMTS2-related conditions. Algorithms developed to predict the effect of missense changes on protein structure and function (SIFT, PolyPhen-2, Align-GVGD) all suggest that this variant is likely to be disruptive. In summary, the available evidence is currently insufficient to determine the role of this variant in disease. Therefore, it has been classified as a Variant of Uncertain Significance.